The following is an entry in ClinVar:

NM_006073.4(TRDN):c.326del (p.Leu109fs)

Gene: TRDN (triadin; minus strand). Cytogenetic location: 6q22.31.
Variant type: Deletion.
Coding change: c.326del on transcript NM_006073.4 (MANE Select); coding-DNA position 326, one base deleted (T; older notation c.326delT).
Protein change: p.Leu109fs; shifts the reading frame from leucine 109.
Molecular consequence: frameshift variant.
Genome position (GRCh38, 1-based): chr6:123,548,519, A deleted on the plus strand (T on the coding strand, the reverse complement: TRDN is on the minus strand); the first of 3 consecutive A bases (chr6:123,548,519-123,548,521); deleting any one gives the same sequence. VCF-style (leftmost placement, unchanged base first): chr6-123548518-CA-C. GRCh37 (hg19) VCF-style: chr6-123869663-CA-C.
Other names: c.326del (NM_001256020.1); c.326del, p.Leu109fs (NM_001251987.2, NM_001256020.2, NM_001256021.2 and 2 more transcripts); short protein forms L109fs.
Identifiers: ClinVar variation 2634568 (VCV002634568.4), dbSNP rs2534485312, ClinGen allele CA2695198324.

ClinVar aggregate classification (germline): Pathogenic/Likely pathogenic. Review status: criteria provided, multiple submitters, no conflicts (2 of 4 stars). 3 submissions from 3 submitters: Pathogenic (1); Likely pathogenic (2). Last evaluated 2024-05-01.

Conditions:
Catecholaminergic polymorphic ventricular tachycardia 5 (CARDAR). Also called: CARDIAC ARRHYTHMIA SYNDROME, WITH OR WITHOUT SKELETAL MUSCLE WEAKNESS; Ventricular tachycardia, catecholaminergic polymorphic, 5, with or without muscle weakness. Identifiers: Orphanet 3286, MedGen C3809536, MONDO:0014191, OMIM 615441.
Catecholaminergic polymorphic ventricular tachycardia 1. Also called: VENTRICULAR TACHYCARDIA, STRESS-INDUCED POLYMORPHIC 1; RYR2-Related Catecholaminergic Polymorphic Ventricular Tachycardia; VENTRICULAR TACHYCARDIA, CATECHOLAMINERGIC POLYMORPHIC, 1, WITH OR WITHOUT ATRIAL DYSFUNCTION AND/OR DILATED CARDIOMYOPATHY. Identifiers: Orphanet 3286, MedGen C1631597, MONDO:0011484, OMIM 604772.
TRDN-related disorder. Also called: TRDN-related condition.

Submissions (3):

Labcorp Genetics (formerly Invitae), Labcorp
Classification: Pathogenic for Catecholaminergic polymorphic ventricular tachycardia 1. Last evaluated: 2024-05-01. Review status: criteria provided, single submitter. Criteria: Invitae Variant Classification Sherloc (09022015). Collection method: clinical testing. Allele origin: germline.
Comment: This sequence change creates a premature translational stop signal (p.Leu109Cysfs*25) in the TRDN gene. It is expected to result in an absent or disrupted protein product. Loss-of-function variants in TRDN are known to be pathogenic (PMID: 22422768, 25922419, 26200674, 30649896). This variant is not present in population databases (gnomAD no frequency). This variant has not been reported in the literature in individuals affected with TRDN-related conditions. ClinVar contains an entry for this variant (Variation ID: 2634568). For these reasons, this variant has been classified as Pathogenic.

Fulgent Genetics
Classification: Likely pathogenic for Catecholaminergic polymorphic ventricular tachycardia 5. Last evaluated: 2024-01-04. Review status: criteria provided, single submitter. Criteria: ACMG Guidelines, 2015. Collection method: clinical testing. Allele origin: germline.

PreventionGenetics, part of Exact Sciences
Classification: Likely pathogenic for TRDN-related condition. Last evaluated: 2022-09-09. Review status: criteria provided, single submitter. Criteria: ACMG Guidelines, 2015. Collection method: clinical testing. Allele origin: germline.
Comment: The TRDN c.326delT variant is predicted to result in a frameshift and premature protein termination (p.Leu109Cysfs*25). To our knowledge, this variant has not been reported in the literature or in a large population database, indicating this variant is rare. Frameshift variants in TRDN are expected to be pathogenic. This variant is interpreted as likely pathogenic.

Literature cited by the submitters: PubMed 22422768 (cited by Labcorp Genetics (formerly Invitae), Labcorp); PubMed 25922419 (cited by Labcorp Genetics (formerly Invitae), Labcorp); PubMed 26200674 (cited by Labcorp Genetics (formerly Invitae), Labcorp); PubMed 30649896 (cited by Labcorp Genetics (formerly Invitae), Labcorp).